The following is an entry in ClinVar:

NM_139276.3(STAT3):c.1909G>C (p.Val637Leu)

Gene: STAT3 (signal transducer and activator of transcription 3; minus strand). Cytogenetic location: 17q21.2.
Variant type: single nucleotide variant.
Coding change: c.1909G>C on transcript NM_139276.3 (MANE Select); coding-DNA position 1909, G replaced by C.
Protein change: p.Val637Leu; replaces valine 637 with leucine.
Molecular consequence: missense variant.
Genome position (GRCh38, 1-based): chr17:42,322,474, C>G on the plus strand (G>C on the coding strand, the complement: STAT3 is on the minus strand). VCF-style: chr17-42322474-C-G. GRCh37 (hg19) VCF-style: chr17-40474492-C-G.
Other names: c.1909G>C, p.Val637Leu (NM_001369514.1, NM_001369516.1, NM_001369517.1 and 9 more transcripts); c.1825G>C, p.Val609Leu (NM_001384984.1); c.1831G>C, p.Val611Leu (NM_001384985.1); c.1924G>C, p.Val642Leu (NM_001384986.1, NM_001384990.1); c.1888G>C, p.Val630Leu (NM_001384987.1); c.1813G>C, p.Val605Leu (NM_001384989.1); c.1882G>C, p.Val628Leu (NM_001384991.1); c.1849G>C, p.Val617Leu (NM_001384992.1); short protein forms V605L, V609L, V611L, V617L, V628L, V630L, V642L, V637L.
Identifiers: ClinVar variation 4783063 (VCV004783063.1).

ClinVar aggregate classification (germline): Likely pathogenic (1 of 4 stars; one submission).

Conditions:
STAT3 gain of function. Identifiers: MedGen C4288261.
Hyper-IgE recurrent infection syndrome 1, autosomal dominant. Also called: JOB SYNDROME; Job's Syndrome; STAT3 Hyper IgE Syndrome; Hyper-IgE recurrent infection syndrome 1; HYPER-IgE SYNDROME 1, AUTOSOMAL DOMINANT, WITH RECURRENT INFECTIONS. Identifiers: Orphanet 2314, MedGen C2936739, MONDO:0007818, OMIM 147060.

Submission:

Labcorp Genetics (formerly Invitae), Labcorp
Classification: Likely pathogenic for STAT3 gain of function; Hyper-IgE recurrent infection syndrome 1, autosomal dominant. Last evaluated: 2025-09-03. Review status: criteria provided, single submitter. Criteria: Invitae Variant Classification Sherloc (09022015). Collection method: clinical testing. Allele origin: germline.
Comment: This sequence change replaces valine, which is neutral and non-polar, with leucine, which is neutral and non-polar, at codon 637 of the STAT3 protein (p.Val637Leu). This variant is not present in population databases (gnomAD no frequency). This missense change has been observed in individuals with hyper-IgE syndrome (PMID: 17881745; internal data). Invitae Evidence Modeling of protein sequence and biophysical properties (such as structural, functional, and spatial information, amino acid conservation, physicochemical variation, residue mobility, and thermodynamic stability) indicates that this missense variant is not expected to disrupt STAT3 protein function with a negative predictive value of 80%. This variant disrupts the p.Val637 amino acid residue in STAT3. Other variant(s) that disrupt this residue have been determined to be pathogenic (PMID: 17881745, 21792878, 26384563, 27799162). This suggests that this residue is clinically significant, and that variants that disrupt this residue are likely to be disease-causing. In summary, the currently available evidence indicates that the variant is pathogenic, but additional data are needed to prove that conclusively. Therefore, this variant has been classified as Likely Pathogenic.

Literature cited by the submitters: PubMed 17881745; PubMed 21792878; PubMed 26384563; PubMed 27799162.